The following is an entry in ClinVar:

NM_024923.4(NUP210):c.1091G>A (p.Arg364His)

Gene: NUP210 (nucleoporin 210; minus strand). Cytogenetic location: 3p25.1.
Variant type: single nucleotide variant.
Coding change: c.1091G>A on transcript NM_024923.4 (MANE Select); coding-DNA position 1091, G replaced by A.
Protein change: p.Arg364His; replaces arginine 364 with histidine.
Molecular consequence: missense variant.
Genome position (GRCh38, 1-based): chr3:13,377,517, C>T on the plus strand (G>A on the coding strand, the complement: NUP210 is on the minus strand). VCF-style: chr3-13377517-C-T. GRCh37 (hg19) VCF-style: chr3-13419017-C-T.
Other names: short protein forms R364H.
Identifiers: ClinVar variation 3036931 (VCV003036931.2), dbSNP rs555632447, ClinGen allele CA2264298.

ClinVar aggregate classification (germline): Likely benign (0 of 4 stars; one submission).

Conditions:
NUP210-related disorder. Also called: NUP210-related condition.

Allele frequency attached by ClinVar (database versions not stated): gnomAD 0.00016; 1000 Genomes Project 0.00060; 1000 Genomes Project 30x 0.00078.
gnomAD v4.1: 320 of 1,613,890 alleles (0.02%); highest among the groups gnomAD compares: South Asian, 0.26%; 2 homozygotes.

Submission:

PreventionGenetics, part of Exact Sciences
Classification: Likely benign for NUP210-related condition. Last evaluated: 2022-06-09. Review status: no assertion criteria provided. Collection method: clinical testing. Allele origin: germline.
Comment: This variant is classified as likely benign based on ACMG/AMP sequence variant interpretation guidelines (Richards et al. 2015 PMID: 25741868, with internal and published modifications).